The following is an entry in ClinVar:

ClinVar aggregate classification (germline): Uncertain significance (1 of 4 stars; one submission).

Conditions:
Combined immunodeficiency due to CTPS1 deficiency. Also called: Severe combined immunodeficiency due to CTPS1 deficiency; Immunodeficiency 24. Identifiers: Orphanet 420573, MedGen C4014617, MONDO:0014391, OMIM 615897.

Submission:

Labcorp Genetics (formerly Invitae), Labcorp
Classification: Uncertain significance for Combined immunodeficiency due to CTPS1 deficiency. Last evaluated: 2024-04-02. Review status: criteria provided, single submitter. Criteria: Invitae Variant Classification Sherloc (09022015). Collection method: clinical testing. Allele origin: germline.
Comment: This sequence change replaces proline, which is neutral and non-polar, with leucine, which is neutral and non-polar, at codon 273 of the CTPS1 protein (p.Pro273Leu). This variant is not present in population databases (gnomAD no frequency). This variant has not been reported in the literature in individuals affected with CTPS1-related conditions. An algorithm developed to predict the effect of missense changes on protein structure and function (PolyPhen-2) suggests that this variant is likely to be tolerated. In summary, the available evidence is currently insufficient to determine the role of this variant in disease. Therefore, it has been classified as a Variant of Uncertain Significance.

NM_001905.4(CTPS1):c.818C>T (p.Pro273Leu)

Gene: CTPS1 (CTP synthase 1; plus strand). Cytogenetic location: 1p34.2.
Variant type: single nucleotide variant.
Coding change: c.818C>T on transcript NM_001905.4 (MANE Select); coding-DNA position 818, C replaced by T.
Protein change: p.Pro273Leu; replaces proline 273 with leucine.
Molecular consequence: missense variant. On other transcripts: non-coding transcript variant (1).
Genome position (GRCh38, 1-based): chr1:40,996,014, C>T. VCF-style: chr1-40996014-C-T. GRCh37 (hg19) VCF-style: chr1-41461686-C-T.
Other names: c.350C>T, p.Pro117Leu (NM_001301237.2); short protein forms P117L, P273L.
Identifiers: ClinVar variation 3648536 (VCV003648536.2).
Genomic context (GRCh38, chr1:40,996,014, plus strand): 5'-TCCCCTTGTTGTTAGAGGAGCAAGGGGTTGTAGATTATTTTCTTCGAAGACTTGACCTTC[C>T]TATTGAGAGGCAGCCAAGAAAAATGCTGATGAAATGGAAAGAGATGGCTGACAGGTTTGC-3'
Protein context (NP_001896.2, residues 263-283): VDYFLRRLDL[Pro273Leu]IERQPRKMLM